The following is an entry in ClinVar:

NM_004409.5(DMPK):c.*224CTG[122]

Genes: DM1-AS (DM1 locus antisense RNA; plus strand), DMPK (DM1 protein kinase; minus strand), LOC107075317 (origin of replication in DMPK trinucleotide repeat region; plus strand), LOC109461477 (dystrophia myotonica protein kinase repeat instability region; plus strand). Cytogenetic location: 19q13.32.
Variant type: Microsatellite.
Coding change: c.*224CTG[122] on transcript NM_004409.5 (MANE Select); 122 copies in a row of the 3-base unit CTG starting at c.*224.
Molecular consequence: 3 prime UTR variant.
Genome position: GRCh38, VCF-style position (the base before the change): chr19:45,770,204. GRCh37 (hg19), VCF-style position (the base before the change): chr19:46,273,462.
Other names: DM1 CTG repeat expansion; c.*224CTG[122] (NM_001081560.3, NM_001288764.2, NM_001424165.1 and 1 more transcripts); c.*217CTG[122] (NM_001081562.3, NM_001288765.2, NM_001424162.1 and 2 more transcripts); c.*222_*224TGC[122] (NM_001081563.3); c.*369CTG[122] (NM_001288766.2, NM_001424164.1, NM_001424168.1).
Identifiers: ClinVar variation 187914 (VCV000187914.2), ClinGen allele CA915951710.

ClinVar aggregate classification (germline): Pathogenic (0 of 4 stars; one submission).

Conditions:
Steinert myotonic dystrophy syndrome (DM1). Also called: STEINERT DISEASE; Myotonic dystrophy type 1; Dystrophia myotonica type 1; Steinert myotonic dystrophy; Steinert's disease. Identifiers: Orphanet 273, MedGen C3250443, MONDO:0008056, OMIM 160900.

Submission:

Institute of Molecular, Cell and Systems Biology, University of Glasgow
Classification: Pathogenic for Steinert myotonic dystrophy syndrome. Review status: no assertion criteria provided. Criteria: research. Collection method: research. Allele origin: germline. Inheritance: Autosomal dominant inheritance. Affected: no. Observed: 1 heterozygote.
Comment: DMPK CTG repeat expansions greater than approximately 45-50 repeats are assumed to be pathogenic

This record is based on data published in PubMed 25052313, which reports only ClinVar accessions SCV000120188 and SCV000120189. The complete data set includes SCV000207445 - SCV000207579.

Literature cited by the submitters: PubMed 1346923; PubMed 1546326; PubMed 25052313.